The following is an entry in ClinVar:

ClinVar aggregate classification (germline): Uncertain significance (1 of 4 stars; one submission).

Conditions:
Hereditary nonpolyposis colorectal neoplasms. Identifiers: MedGen C0009405, MeSH D003123.

Submission:

Labcorp Genetics (formerly Invitae), Labcorp
Classification: Uncertain significance for Hereditary nonpolyposis colorectal neoplasms. Last evaluated: 2022-08-23. Review status: criteria provided, single submitter. Criteria: Invitae Variant Classification Sherloc (09022015). Collection method: clinical testing. Allele origin: germline.
Comment: Advanced modeling of protein sequence and biophysical properties (such as structural, functional, and spatial information, amino acid conservation, physicochemical variation, residue mobility, and thermodynamic stability) performed at Invitae indicates that this missense variant is not expected to disrupt PMS2 protein function. In summary, the available evidence is currently insufficient to determine the role of this variant in disease. Therefore, it has been classified as a Variant of Uncertain Significance. This variant has not been reported in the literature in individuals affected with PMS2-related conditions. This sequence change replaces valine, which is neutral and non-polar, with isoleucine, which is neutral and non-polar, at codon 380 of the PMS2 protein (p.Val380Ile). This variant is not present in population databases (gnomAD no frequency).

NM_000535.7(PMS2):c.1138G>A (p.Val380Ile)

Gene: PMS2 (PMS1 homolog 2, mismatch repair system component; minus strand). Cytogenetic location: 7p22.1.
Variant type: single nucleotide variant.
Coding change: c.1138G>A on transcript NM_000535.7 (MANE Select); coding-DNA position 1138, G replaced by A.
Protein change: p.Val380Ile; replaces valine 380 with isoleucine.
Molecular consequence: missense variant. On other transcripts: non-coding transcript variant (1), intron variant (2).
Genome position (GRCh38, 1-based): chr7:5,989,806, C>T on the plus strand (G>A on the coding strand, the complement: PMS2 is on the minus strand). VCF-style: chr7-5989806-C-T. GRCh37 (hg19) VCF-style: chr7-6029437-C-T.
Other names: c.733G>A, p.Val245Ile (NM_001018040.1, NM_001322003.2, NM_001322004.2 and 17 more transcripts); c.820G>A, p.Val274Ile (NM_001322007.2, NM_001322008.2, NM_001406876.1 and 2 more transcripts); c.205G>A, p.Val69Ile (NM_001322011.2, NM_001322012.2); c.565G>A, p.Val189Ile (NM_001322013.2, NM_001406909.1); c.1138G>A, p.Val380Ile (NM_001322014.2, NM_001406871.1, NM_001406872.1); c.829G>A, p.Val277Ile (NM_001322015.2, NM_001406875.1, NM_001406877.1 and 5 more transcripts); c.1324G>A, p.Val442Ile (NM_001406866.1); c.1162G>A, p.Val388Ile (NM_001406868.1); and 9 more; short protein forms V123I, V189I, V209I, V245I, V258I, V268I, V274I, V277I.
Identifiers: ClinVar variation 1717840 (VCV001717840.5), dbSNP rs2128746938, ClinGen allele CA366742730.